The following is an entry in ClinVar:

ClinVar aggregate classification (germline): Uncertain significance (1 of 4 stars; one submission).

Allele frequency attached by ClinVar (database versions not stated): TOPMed 0.00001; gnomAD exomes 0.00005.
gnomAD v4.1: 11 of 1,329,746 alleles (0.00083%); highest among the groups gnomAD compares: Admixed American, 0.021%; no homozygotes.

Submission:

Labcorp Genetics (formerly Invitae), Labcorp
Classification: Uncertain significance. Last evaluated: 2022-11-01. Review status: criteria provided, single submitter. Criteria: Invitae Variant Classification Sherloc (09022015). Collection method: clinical testing. Allele origin: germline.
Comment: This sequence change replaces alanine, which is neutral and non-polar, with threonine, which is neutral and polar, at codon 312 of the CARMIL2 protein (p.Ala312Thr). This variant is present in population databases (rs777470570, gnomAD 0.03%). This variant has not been reported in the literature in individuals affected with CARMIL2-related conditions. ClinVar contains an entry for this variant (Variation ID: 1470052). Advanced modeling of protein sequence and biophysical properties (such as structural, functional, and spatial information, amino acid conservation, physicochemical variation, residue mobility, and thermodynamic stability) performed at Invitae indicates that this missense variant is not expected to disrupt CARMIL2 protein function. In summary, the available evidence is currently insufficient to determine the role of this variant in disease. Therefore, it has been classified as a Variant of Uncertain Significance.

NM_001013838.3(CARMIL2):c.934G>A (p.Ala312Thr)

Gene: CARMIL2 (capping protein regulator and myosin 1 linker 2; plus strand). Cytogenetic location: 16q22.1.
Variant type: single nucleotide variant.
Coding change: c.934G>A on transcript NM_001013838.3 (MANE Select); coding-DNA position 934, G replaced by A.
Protein change: p.Ala312Thr; replaces alanine 312 with threonine.
Molecular consequence: missense variant.
Genome position (GRCh38, 1-based): chr16:67,647,742, G>A. VCF-style: chr16-67647742-G-A. GRCh37 (hg19) VCF-style: chr16-67681645-G-A.
Other names: c.934G>A, p.Ala312Thr (NM_001317026.3); short protein forms A312T.
Identifiers: ClinVar variation 1470052 (VCV001470052.3), dbSNP rs777470570, ClinGen allele CA8113278.